The following is an entry in ClinVar:

ClinVar aggregate classification (germline): Uncertain significance. Review status: criteria provided, multiple submitters, no conflicts (2 of 4 stars). 2 submissions from 2 submitters: Uncertain significance (2). Last evaluated 2023-08-15.

Conditions:
Cardiomyopathy (CMYO). Also called: Cardiomyopathies. Identifiers: Orphanet 167848, MedGen C0878544, MONDO:0004994, HP:0001638. Inheritance: Various modes of inheritance.

Allele frequency attached by ClinVar (database versions not stated): gnomAD 0.00001.
gnomAD v4.1: 1 of 1,614,092 alleles (0.000062%); highest among the groups gnomAD compares: African/African-American, 0.0013%; no homozygotes.

Submissions (2):

All of Us Research Program, National Institutes of Health
Classification: Uncertain significance for Cardiomyopathy. Last evaluated: 2023-08-15. Review status: criteria provided, single submitter. Criteria: ACMG Guidelines, 2015. Collection method: clinical testing. Allele origin: germline. Inheritance: Autosomal dominant inheritance. Observed: 1 variant allele, 1 heterozygote.
Comment: This missense variant replaces serine with tyrosine at codon 866 of the MYH7 protein. Computational prediction suggests that this variant may have deleterious impact on protein structure and function (internally defined REVEL score threshold >= 0.7, PMID: 27666373). To our knowledge, functional studies have not been reported for this variant. This variant has not been reported in individuals affected with MYH7-related disorders in the literature. This variant has not been identified in the general population by the Genome Aggregation Database (gnomAD). The available evidence is insufficient to determine the role of this variant in disease conclusively. Therefore, this variant is classified as a Variant of Uncertain Significance.

This study involves interpretation of variants in research participants for the purpose of population health screening. Participant phenotype was not available at the time of variant classification. Additional details can be found in publication PMID: 35346344, PMCID: PMC8962531

Color Diagnostics, LLC DBA Color Health
Classification: Uncertain significance for Cardiomyopathy. Last evaluated: 2023-07-26. Review status: criteria provided, single submitter. Criteria: ACMG Guidelines, 2015. Collection method: clinical testing. Allele origin: germline.
Comment: This missense variant replaces serine with tyrosine at codon 866 of the MYH7 protein. Computational prediction suggests that this variant may have deleterious impact on protein structure and function (internally defined REVEL score threshold >= 0.7, PMID: 27666373). To our knowledge, functional studies have not been reported for this variant. This variant has not been reported in individuals affected with MYH7-related disorders in the literature. This variant has not been identified in the general population by the Genome Aggregation Database (gnomAD). The available evidence is insufficient to determine the role of this variant in disease conclusively. Therefore, this variant is classified as a Variant of Uncertain Significance.

NM_000257.4(MYH7):c.2597C>A (p.Ser866Tyr)

Genes: MYH7 (myosin heavy chain 7; minus strand), LOC126861898 (BRD4-independent group 4 enhancer GRCh37_chr14:23893609-23894808; plus strand). Cytogenetic location: 14q11.2.
Variant type: single nucleotide variant.
Coding change: c.2597C>A on transcript NM_000257.4 (MANE Select); coding-DNA position 2597, C replaced by A.
Protein change: p.Ser866Tyr; replaces serine 866 with tyrosine.
Molecular consequence: missense variant.
Genome position (GRCh38, 1-based): chr14:23,424,851, G>T on the plus strand (C>A on the coding strand, the complement: MYH7 is on the minus strand). VCF-style: chr14-23424851-G-T. GRCh37 (hg19) VCF-style: chr14-23894060-G-T.
Other names: short protein forms S866Y.
Identifiers: ClinVar variation 919938 (VCV000919938.5), dbSNP rs1473607930, ClinGen allele CA389048057.